The following is an entry in ClinVar:

NM_001005373.4(LRSAM1):c.720C>G (p.Asp240Glu)

Gene: LRSAM1 (leucine rich repeat and sterile alpha motif containing 1; plus strand). Cytogenetic location: 9q33.3.
Variant type: single nucleotide variant.
Coding change: c.720C>G on transcript NM_001005373.4 (MANE Select); coding-DNA position 720, C replaced by G.
Protein change: p.Asp240Glu; replaces aspartic acid 240 with glutamic acid.
Molecular consequence: missense variant. On other transcripts: 5 prime UTR variant (1), non-coding transcript variant (2).
Genome position (GRCh38, 1-based): chr9:127,473,901, C>G. VCF-style: chr9-127473901-C-G. GRCh37 (hg19) VCF-style: chr9-130236180-C-G.
Other names: c.720C>G, p.Asp240Glu (NM_001005374.4, NM_001190723.3, NM_001384142.1 and 2 more transcripts); c.-65C>G (NM_001384144.1); c.720C>G (NM_138361.4); short protein forms D240E.
Identifiers: ClinVar variation 1036561 (VCV001036561.14), dbSNP rs150820300, ClinGen allele CA5246661.
Genomic context (GRCh38, chr9:127,473,901, plus strand): 5'-GCCAATTCTGGAGCAAGATGGAATCGAGAACTCTCGGGACAGCCCTGATGGGCCCACGGA[C>G]AGATTCTCAAGGGAGGAGTTAGAGTGGCAGGTAAGACAAGGCAGCCTGCTGCACGCATAC-3'
Protein context (NP_001005373.1, residues 230-250): NSRDSPDGPT[Asp240Glu]RFSREELEWQ

ClinVar aggregate classification (germline): Uncertain significance. Review status: criteria provided, multiple submitters, no conflicts (2 of 4 stars). 4 submissions from 4 submitters: Uncertain significance (4). Last evaluated 2026-03-16.

Conditions:
LRSAM1-related disorder. Also called: LRSAM1-related condition.
Inborn genetic diseases. Identifiers: MedGen C0950123, MeSH D030342.
Charcot-Marie-Tooth disease axonal type 2P. Also called: Charcot-Marie-Tooth Neuropathy Type 2G; CHARCOT-MARIE-TOOTH NEUROPATHY, TYPE 2P; CHARCOT-MARIE-TOOTH DISEASE, AXONAL, TYPE 2G; CMT 2G. Identifiers: Orphanet 300319, Orphanet 99941, MedGen C3280797, MONDO:0013753, OMIM 614436.

Allele frequency attached by ClinVar (database versions not stated): gnomAD exomes 0.00005; ExAC 0.00007; ESP Exome Variant Server 0.00015; gnomAD 0.00023 and 0.00024; TOPMed 0.00025.
gnomAD v4.1: 67 of 1,614,248 alleles (0.0042%); highest among the groups gnomAD compares: African/African-American, 0.076%; no homozygotes.

Submissions (4):

PreventionGenetics, part of Exact Sciences
Classification: Uncertain significance for LRSAM1-related condition. Last evaluated: 2026-03-16. Review status: criteria provided, single submitter. Criteria: ACMG Guidelines, 2015. Collection method: clinical testing. Allele origin: germline.
Comment: The LRSAM1 c.720C>G variant is predicted to result in the amino acid substitution p.Asp240Glu. To our knowledge, this variant has not been reported in the literature. This variant is reported in 0.068% of alleles in individuals of African descent in gnomAD. Although we suspect that this variant may be benign, at this time, the clinical significance of this variant is uncertain due to the absence of conclusive functional and genetic evidence.

Labcorp Genetics (formerly Invitae), Labcorp
Classification: Uncertain significance for Charcot-Marie-Tooth disease axonal type 2P. Last evaluated: 2025-09-21. Review status: criteria provided, single submitter. Criteria: Invitae Variant Classification Sherloc (09022015). Collection method: clinical testing. Allele origin: germline.
Comment: This sequence change replaces aspartic acid, which is acidic and polar, with glutamic acid, which is acidic and polar, at codon 240 of the LRSAM1 protein (p.Asp240Glu). This variant is present in population databases (rs150820300, gnomAD 0.07%). This variant has not been reported in the literature in individuals affected with LRSAM1-related conditions. ClinVar contains an entry for this variant (Variation ID: 1036561). An algorithm developed to predict the effect of missense changes on protein structure and function (PolyPhen-2) suggests that this variant is likely to be tolerated. In summary, the available evidence is currently insufficient to determine the role of this variant in disease. Therefore, it has been classified as a Variant of Uncertain Significance.

Ambry Genetics
Classification: Uncertain significance for Inborn genetic diseases. Last evaluated: 2023-05-09. Review status: criteria provided, single submitter. Criteria: Ambry Variant Classification Scheme 2023. Collection method: clinical testing. Allele origin: germline.
Comment: Unlikely to be causative of LRSAM1-related Charcot-Marie-Tooth disease, type 2 (AD) Based on insufficient or conflicting evidence, the clinical significance of this alteration remains unclear.

Mayo Clinic Laboratories, Mayo Clinic
Classification: Uncertain significance. Last evaluated: 2019-07-15. Review status: criteria provided, single submitter. Criteria: ACMG Guidelines, 2015. Collection method: clinical testing. Allele origin: germline. Observed: 1 variant allele.